The following is an entry in ClinVar:

ClinVar aggregate classification (germline): Conflicting classifications of pathogenicity. Review status: criteria provided, conflicting classifications (1 of 4 stars). 2 submissions from 2 submitters: Uncertain significance (1); Likely benign (1). Last evaluated 2024-04-01.

Conditions:
Dyskeratosis congenita, autosomal recessive 6 (DKCB6). Identifiers: MedGen C4225356, MONDO:0014600, OMIM 616353.
Pulmonary fibrosis and/or bone marrow failure, Telomere-related, 4. Also called: PULMONARY FIBROSIS AND/OR BONE MARROW FAILURE SYNDROME, TELOMERE-RELATED, 4. Identifiers: Orphanet 2032, MedGen C4225347, MONDO:0014612, OMIM 616371.

gnomAD v4.1: 6 of 1,606,524 alleles (0.00037%); highest among the groups gnomAD compares: Non-Finnish European, 0.00051%; no homozygotes.

Submissions (2):

Labcorp Genetics (formerly Invitae), Labcorp
Classification: Uncertain significance for Dyskeratosis congenita, autosomal recessive 6; Pulmonary fibrosis and/or bone marrow failure, Telomere-related, 4. Last evaluated: 2024-04-01. Review status: criteria provided, single submitter. Criteria: Invitae Variant Classification Sherloc (09022015). Collection method: clinical testing. Allele origin: germline.
Comment: This sequence change replaces valine, which is neutral and non-polar, with isoleucine, which is neutral and non-polar, at codon 297 of the PARN protein (p.Val297Ile). This variant is not present in population databases (gnomAD no frequency). This variant has not been reported in the literature in individuals affected with PARN-related conditions. Advanced modeling of protein sequence and biophysical properties (such as structural, functional, and spatial information, amino acid conservation, physicochemical variation, residue mobility, and thermodynamic stability) performed at Invitae indicates that this missense variant is not expected to disrupt PARN protein function with a negative predictive value of 80%. In summary, the available evidence is currently insufficient to determine the role of this variant in disease. Therefore, it has been classified as a Variant of Uncertain Significance.

Blueprint Genetics
Classification: Likely benign. Last evaluated: 2022-05-13. Review status: criteria provided, single submitter. Criteria: ACMG Guidelines, 2015. Collection method: clinical testing. Allele origin: germline.

NM_002582.4(PARN):c.889G>A (p.Val297Ile)

Gene: PARN (poly(A)-specific ribonuclease; minus strand). Cytogenetic location: 16p13.12.
Variant type: single nucleotide variant.
Coding change: c.889G>A on transcript NM_002582.4 (MANE Select); coding-DNA position 889, G replaced by A.
Protein change: p.Val297Ile; replaces valine 297 with isoleucine.
Molecular consequence: missense variant.
Genome position (GRCh38, 1-based): chr16:14,593,330, C>T on the plus strand (G>A on the coding strand, the complement: PARN is on the minus strand). VCF-style: chr16-14593330-C-T. GRCh37 (hg19) VCF-style: chr16-14687187-C-T.
Other names: c.706G>A, p.Val236Ile (NM_001134477.3); c.751G>A, p.Val251Ile (NM_001242992.2); short protein forms V236I, V251I, V297I.
Identifiers: ClinVar variation 3762240 (VCV003762240.3).